The following is an entry in ClinVar:

NM_001377.3(DYNC2H1):c.8863A>G (p.Arg2955Gly)

Gene: DYNC2H1 (dynein cytoplasmic 2 heavy chain 1; plus strand). Cytogenetic location: 11q22.3.
Variant type: single nucleotide variant.
Coding change: c.8863A>G on transcript NM_001377.3 (MANE Select); coding-DNA position 8863, A replaced by G.
Protein change: p.Arg2955Gly; replaces arginine 2955 with glycine.
Molecular consequence: missense variant.
Genome position (GRCh38, 1-based): chr11:103,219,945, A>G. VCF-style: chr11-103219945-A-G. GRCh37 (hg19) VCF-style: chr11-103090674-A-G.
Other names: c.8863A>G, p.Arg2955Gly (NM_001080463.2); short protein forms R2955G.
Identifiers: ClinVar variation 4760905 (VCV004760905.1).

ClinVar aggregate classification (germline): Uncertain significance (1 of 4 stars; one submission).

Conditions:
Jeune thoracic dystrophy. Also called: Jeune syndrome; Infantile thoracic dystrophy; Thoracic pelvic phalangeal dystrophy; Jeune's syndrome; Chondroectodermal dysplasia-like syndrome; Short-rib thoracic dysplasia. Identifiers: Orphanet 474, MedGen C0265275, MONDO:0018770.

gnomAD v4.1: 3 of 1,522,192 alleles (0.0002%); highest among the groups gnomAD compares: Non-Finnish European, 0.00026%; no homozygotes.

Submission:

Labcorp Genetics (formerly Invitae), Labcorp
Classification: Uncertain significance for Jeune thoracic dystrophy. Last evaluated: 2025-04-30. Review status: criteria provided, single submitter. Criteria: Invitae Variant Classification Sherloc (09022015). Collection method: clinical testing. Allele origin: germline.
Comment: This sequence change replaces arginine, which is basic and polar, with glycine, which is neutral and non-polar, at codon 2955 of the DYNC2H1 protein (p.Arg2955Gly). This variant is present in population databases (no rsID available, gnomAD 0.001%). This variant has not been reported in the literature in individuals affected with DYNC2H1-related conditions. Invitae Evidence Modeling of protein sequence and biophysical properties (such as structural, functional, and spatial information, amino acid conservation, physicochemical variation, residue mobility, and thermodynamic stability) indicates that this missense variant is not expected to disrupt DYNC2H1 protein function with a negative predictive value of 95%. In summary, the available evidence is currently insufficient to determine the role of this variant in disease. Therefore, it has been classified as a Variant of Uncertain Significance.